The following is an entry in ClinVar:

ClinVar aggregate classification (germline): Uncertain significance. Review status: criteria provided, multiple submitters, no conflicts (2 of 4 stars). 2 submissions from 2 submitters: Uncertain significance (2). Last evaluated 2025-09-29.

Submissions (2):

Women's Health and Genetics/Laboratory Corporation of America, LabCorp
Classification: Uncertain significance. Last evaluated: 2025-09-29. Review status: criteria provided, single submitter. Criteria: LabCorp Variant Classification Summary - May 2015. Collection method: clinical testing. Allele origin: germline.

Labcorp Genetics (formerly Invitae), Labcorp
Classification: Uncertain significance. Last evaluated: 2022-03-18. Review status: criteria provided, single submitter. Criteria: Invitae Variant Classification Sherloc (09022015). Collection method: clinical testing. Allele origin: germline.
Comment: This variant has not been reported in the literature in individuals affected with TK2-related conditions. This sequence change replaces alanine, which is neutral and non-polar, with threonine, which is neutral and polar, at codon 229 of the TK2 protein (p.Ala229Thr). This variant is not present in population databases (gnomAD no frequency). Advanced modeling of protein sequence and biophysical properties (such as structural, functional, and spatial information, amino acid conservation, physicochemical variation, residue mobility, and thermodynamic stability) performed at Invitae indicates that this missense variant is not expected to disrupt TK2 protein function. In summary, the available evidence is currently insufficient to determine the role of this variant in disease. Therefore, it has been classified as a Variant of Uncertain Significance.

NM_004614.5(TK2):c.685G>A (p.Ala229Thr)

Gene: TK2 (thymidine kinase 2; minus strand). Cytogenetic location: 16q21.
Variant type: single nucleotide variant.
Coding change: c.685G>A on transcript NM_004614.5 (MANE Select); coding-DNA position 685, G replaced by A.
Protein change: p.Ala229Thr; replaces alanine 229 with threonine.
Molecular consequence: missense variant. On other transcripts: nonsense (1), non-coding transcript variant (1).
Genome position (GRCh38, 1-based): chr16:66,513,745, C>T on the plus strand (G>A on the coding strand, the complement: TK2 is on the minus strand). VCF-style: chr16-66513745-C-T. GRCh37 (hg19) VCF-style: chr16-66547648-C-T.
Other names: c.592G>A, p.Ala198Thr (NM_001172643.1); c.610G>A, p.Ala204Thr (NM_001172644.2); c.631G>A, p.Ala211Thr (NM_001172645.2); c.538G>A, p.Ala180Thr (NM_001271934.2); c.423G>A, p.Trp141Ter (NM_001271935.1); c.394G>A, p.Ala132Thr (NM_001272050.2); short protein forms W141*, A132T, A198T, A204T, A211T, A229T, A180T.
Identifiers: ClinVar variation 2010504 (VCV002010504.5), dbSNP rs750058780, ClinGen allele CA396187065.